The following is an entry in ClinVar:

ClinVar aggregate classification (germline): Uncertain significance (1 of 4 stars; one submission).

gnomAD v4.1: 7 of 1,613,572 alleles (0.00043%); highest among the groups gnomAD compares: Admixed American, 0.0017%; no homozygotes.

Submission:

Women's Health and Genetics/Laboratory Corporation of America, LabCorp
Classification: Uncertain significance. Last evaluated: 2026-03-25. Review status: criteria provided, single submitter. Criteria: LabCorp Variant Classification Summary - May 2015. Collection method: clinical testing. Allele origin: germline.
Comment: Variant summary: TRIO c.6161G>A (p.Arg2054Lys) results in a conservative amino acid change in the encoded protein sequence. Algorithms developed to predict the effect of missense changes on protein structure and function are either unavailable or do not agree on the potential impact of this missense change. The variant allele was found at a frequency of 4e-06 in 251070 control chromosomes. The available data on variant occurrences in the general population are insufficient to allow any conclusion about variant significance. To our knowledge, no occurrence of c.6161G>A in individuals affected with TRIO-related conditions and no experimental evidence demonstrating its impact on protein function have been reported. No submitters have cited clinical-significance assessments for this variant to ClinVar. Based on the evidence outlined above, the variant was classified as uncertain significance.

NM_007118.4(TRIO):c.6161G>A (p.Arg2054Lys)

Gene: TRIO (trio Rho guanine nucleotide exchange factor; plus strand). Cytogenetic location: 5p15.2.
Variant type: single nucleotide variant.
Coding change: c.6161G>A on transcript NM_007118.4 (MANE Select); coding-DNA position 6161, G replaced by A.
Protein change: p.Arg2054Lys; replaces arginine 2054 with lysine.
Molecular consequence: missense variant. On other transcripts: non-coding transcript variant (1).
Genome position (GRCh38, 1-based): chr5:14,479,268, G>A. VCF-style: chr5-14479268-G-A. GRCh37 (hg19) VCF-style: chr5-14479377-G-A.
Other names: short protein forms R2054K.
Identifiers: ClinVar variation 4847684 (VCV004847684.1).